The following is an entry in ClinVar:

ClinVar aggregate classification (germline): Likely benign. Review status: criteria provided, multiple submitters, no conflicts (2 of 4 stars). 2 submissions from 2 submitters: Likely benign (2). Last evaluated 2017-04-27.

Conditions:
Usher syndrome type 1G. Also called: USHER SYNDROME, TYPE IG, MILD. Identifiers: Orphanet 231169, Orphanet 886, MedGen C1847089, MONDO:0011748, OMIM 606943.

Allele frequency attached by ClinVar (database versions not stated): TOPMed 0.02543; gnomAD 0.02221 and 0.02392; 1000 Genomes Project 0.01837; 1000 Genomes Project 30x 0.01936.

Submissions (2):

Illumina Laboratory Services, Illumina
Classification: Likely benign for Usher syndrome type 1G. Last evaluated: 2017-04-27. Review status: criteria provided, single submitter. Criteria: ICSL Variant Classification Criteria 13 December 2019. Collection method: clinical testing. Allele origin: germline.
Comment: This variant was observed as part of a predisposition screen in an ostensibly healthy population. A literature search was performed for the gene, cDNA change, and amino acid change (where applicable). No publications were found based on this search. Allele frequency data from public databases allowed determination this variant is unlikely to cause disease. Therefore, this variant is classified as likely benign.

Breakthrough Genomics
Classification: Likely benign. Review status: criteria provided, single submitter. Criteria: ACMG Guidelines, 2015. Collection method: not provided. Allele origin: germline. Inheritance: Autosomal recessive inheritance. Affected: yes.

NM_173477.5(USH1G):c.*1224A>C

Gene: USH1G (USH1 protein network component sans; minus strand). Cytogenetic location: 17q25.1.
Variant type: single nucleotide variant.
Coding change: c.*1224A>C on transcript NM_173477.5 (MANE Select); 1224 bases downstream of the stop codon, A replaced by C.
Molecular consequence: 3 prime UTR variant.
Genome position (GRCh38, 1-based): chr17:74,916,849, T>G on the plus strand (A>C on the coding strand, the complement: USH1G is on the minus strand). VCF-style: chr17-74916849-T-G. GRCh37 (hg19) VCF-style: chr17-72912941-T-G.
Other names: c.*1224A>C (NM_001282489.3).
Identifiers: ClinVar variation 325035 (VCV000325035.6), dbSNP rs111922548, ClinGen allele CA10646717.